The following is an entry in ClinVar:

ClinVar aggregate classification (germline): Likely benign. Review status: criteria provided, single submitter (1 of 4 stars). 2 submissions from 2 submitters: Likely benign (1). 1 of the submissions does not count toward it. Last evaluated 2022-10-13.

Conditions:
CHRNA3-related disorder. Also called: CHRNA3-related condition.

Allele frequency attached by ClinVar (database versions not stated): TOPMed 0.00001; gnomAD 0.00006; gnomAD exomes 0.00027; ExAC 0.00045.
gnomAD v4.1: 401 of 1,614,076 alleles (0.025%); highest among the groups gnomAD compares: South Asian, 0.43%; 3 homozygotes.

Submissions (2):

Labcorp Genetics (formerly Invitae), Labcorp
Classification: Likely benign. Last evaluated: 2022-10-13. Review status: criteria provided, single submitter. Criteria: Invitae Variant Classification Sherloc (09022015). Collection method: clinical testing. Allele origin: germline.

PreventionGenetics, part of Exact Sciences
Classification: Likely benign for CHRNA3-related condition. Last evaluated: 2023-06-06. Review status: no assertion criteria provided. Collection method: clinical testing. Allele origin: germline. Not counted in ClinVar's aggregate classification.
Comment: This variant is classified as likely benign based on ACMG/AMP sequence variant interpretation guidelines (Richards et al. 2015 PMID: 25741868, with internal and published modifications).

NM_000743.5(CHRNA3):c.1352T>C (p.Ile451Thr)

Gene: CHRNA3 (cholinergic receptor nicotinic alpha 3 subunit; minus strand). Cytogenetic location: 15q25.1.
Variant type: single nucleotide variant.
Coding change: c.1352T>C on transcript NM_000743.5 (MANE Select); coding-DNA position 1352, T replaced by C.
Protein change: p.Ile451Thr; replaces isoleucine 451 with threonine.
Molecular consequence: missense variant. On other transcripts: non-coding transcript variant (1).
Genome position (GRCh38, 1-based): chr15:78,601,290, A>G on the plus strand (T>C on the coding strand, the complement: CHRNA3 is on the minus strand). VCF-style: chr15-78601290-A-G. GRCh37 (hg19) VCF-style: chr15-78893632-A-G.
Other names: c.1352T>C (NM_000743.4); c.1352T>C, p.Ile451Thr (NM_001166694.2); short protein forms I451T.
Identifiers: ClinVar variation 2182780 (VCV002182780.6), dbSNP rs200681637, ClinGen allele CA7684271.